The following is an entry in ClinVar:

NM_017780.4(CHD7):c.5597A>G (p.Asp1866Gly)

Gene: CHD7 (chromodomain helicase DNA binding protein 7; plus strand). Cytogenetic location: 8q12.2.
Variant type: single nucleotide variant.
Coding change: c.5597A>G on transcript NM_017780.4 (MANE Select); coding-DNA position 5597, A replaced by G.
Protein change: p.Asp1866Gly; replaces aspartic acid 1866 with glycine.
Molecular consequence: missense variant. On other transcripts: intron variant (1).
Genome position (GRCh38, 1-based): chr8:60,851,094, A>G. VCF-style: chr8-60851094-A-G. GRCh37 (hg19) VCF-style: chr8-61763653-A-G.
Other names: c.5597A>G (NM_017780.3); c.1717-11135A>G (NM_001316690.1); short protein forms D1866G.
Identifiers: ClinVar variation 1221593 (VCV001221593.8), dbSNP rs2150805872, ClinGen allele CA371322061.

ClinVar aggregate classification (germline): Conflicting classifications of pathogenicity. Review status: criteria provided, conflicting classifications (1 of 4 stars). 3 submissions from 3 submitters: Pathogenic (1); Uncertain significance (2). Last evaluated 2025-05-13.

Conditions:
CHD7-related disorder. Also called: CHD7-related condition.
CHARGE syndrome (CHARGE). Also called: Hittner Hirsch Kreh syndrome; CHARGE ASSOCIATION--COLOBOMA, HEART ANOMALY, CHOANAL ATRESIA, RETARDATION, GENITAL AND EAR ANOMALIES; Coloboma, heart anomaly, choanal atresia, retardation, genital and ear anomalies; CHARGE association; Hall-Hittner syndrome. Identifiers: Orphanet 138, MedGen C0265354, MONDO:0008965.

Submissions (3):

PreventionGenetics, part of Exact Sciences
Classification: Uncertain significance for CHD7-related condition. Last evaluated: 2025-05-13. Review status: criteria provided, single submitter. Criteria: ACMG Guidelines, 2015. Collection method: clinical testing. Allele origin: germline.
Comment: The CHD7 c.5597A>G variant is predicted to result in the amino acid substitution p.Asp1866Gly. This variant has been observed twice in a cohort of individuals tested for CHD7 gene variant analysis in a commercial laboratory and reported as a variant of uncertain significance (VUS) (Bartels et al. 2010. PubMed ID: 21158681). This variant has not been reported in a large population database (gnomAD), indicating this variant is rare. At this time, the clinical significance of this variant is uncertain due to the absence of conclusive functional and genetic evidence.

GeneDx
Classification: Pathogenic. Last evaluated: 2025-05-12. Review status: criteria provided, single submitter. Criteria: GeneDx Variant Classification Process June 2021. Collection method: clinical testing. Allele origin: germline. Affected: yes.
Comment: Not observed at significant frequency in large population cohorts (gnomAD); In silico analysis supports that this missense variant has a deleterious effect on protein structure/function; In silico analysis supports a deleterious effect on splicing; This variant is associated with the following publications: (PMID: 21158681)

Labcorp Genetics (formerly Invitae), Labcorp
Classification: Uncertain significance for CHARGE syndrome. Last evaluated: 2023-08-08. Review status: criteria provided, single submitter. Criteria: Invitae Variant Classification Sherloc (09022015). Collection method: clinical testing. Allele origin: germline.
Comment: This sequence change replaces aspartic acid, which is acidic and polar, with glycine, which is neutral and non-polar, at codon 1866 of the CHD7 protein (p.Asp1866Gly). This variant is not present in population databases (gnomAD no frequency). This missense change has been observed in individual(s) with CHARGE syndrome (Invitae). ClinVar contains an entry for this variant (Variation ID: 1221593). Advanced modeling of protein sequence and biophysical properties (such as structural, functional, and spatial information, amino acid conservation, physicochemical variation, residue mobility, and thermodynamic stability) performed at Invitae indicates that this missense variant is not expected to disrupt CHD7 protein function. Algorithms developed to predict the effect of sequence changes on RNA splicing suggest that this variant may disrupt the consensus splice site. In summary, the available evidence is currently insufficient to determine the role of this variant in disease. Therefore, it has been classified as a Variant of Uncertain Significance.